The following is an entry in ClinVar:

NM_004473.4(FOXE1):c.569C>G (p.Pro190Arg)

Gene: FOXE1 (forkhead box E1; plus strand). Cytogenetic location: 9q22.33.
Variant type: single nucleotide variant.
Coding change: c.569C>G on transcript NM_004473.4 (MANE Select); coding-DNA position 569, C replaced by G.
Protein change: p.Pro190Arg; replaces proline 190 with arginine.
Molecular consequence: missense variant.
Genome position (GRCh38, 1-based): chr9:97,854,483, C>G. VCF-style: chr9-97854483-C-G. GRCh37 (hg19) VCF-style: chr9-100616765-C-G.
Other names: short protein forms P190R.
Identifiers: ClinVar variation 786913 (VCV000786913.28), dbSNP rs182535331, ClinGen allele CA5149130.

ClinVar aggregate classification (germline): Benign. Review status: criteria provided, multiple submitters, no conflicts (2 of 4 stars). 3 submissions from 3 submitters: Benign (3). Last evaluated 2023-02-01.

Allele frequency attached by ClinVar (database versions not stated): ExAC below 0.00001; gnomAD exomes 0.00042; 1000 Genomes Project 0.00739; gnomAD 0.00838; TOPMed 0.00885; 1000 Genomes Project 30x 0.00999.

Submissions (3):

CeGaT Center for Human Genetics Tuebingen
Classification: Benign. Last evaluated: 2023-02-01. Review status: criteria provided, single submitter. Criteria: CeGaT Center For Human Genetics Tuebingen Variant Classification Criteria Version 2. Collection method: clinical testing. Allele origin: germline. Affected: yes. Observed: 1 variant allele.
Comment: FOXE1: BS1, BS2

Labcorp Genetics (formerly Invitae), Labcorp
Classification: Benign. Last evaluated: 2017-06-30. Review status: criteria provided, single submitter. Criteria: Invitae Variant Classification Sherloc (09022015). Collection method: clinical testing. Allele origin: germline.

Breakthrough Genomics
Classification: Benign. Review status: criteria provided, single submitter. Criteria: ACMG Guidelines, 2015. Collection method: not provided. Allele origin: germline. Inheritance: Autosomal recessive inheritance. Affected: yes.